The following is an entry in ClinVar:

ClinVar aggregate classification (germline): Uncertain significance. Review status: criteria provided, multiple submitters, no conflicts (2 of 4 stars). 2 submissions from 2 submitters: Uncertain significance (2). Last evaluated 2025-08-27.

Conditions:
Inborn genetic diseases. Identifiers: MedGen C0950123, MeSH D030342.

Allele frequency attached by ClinVar (database versions not stated): gnomAD 0.00001; gnomAD exomes 0.00003 and 0.00005; ExAC 0.00004; TOPMed 0.00004.
gnomAD v4.1: 49 of 1,613,982 alleles (0.003%); highest among the groups gnomAD compares: South Asian, 0.036%; no homozygotes.

Submissions (2):

Ambry Genetics
Classification: Uncertain significance for Inborn genetic diseases. Last evaluated: 2025-08-27. Review status: criteria provided, single submitter. Criteria: Ambry Variant Classification Scheme 2023. Collection method: clinical testing. Allele origin: germline.

Labcorp Genetics (formerly Invitae), Labcorp
Classification: Uncertain significance. Last evaluated: 2022-02-03. Review status: criteria provided, single submitter. Criteria: Invitae Variant Classification Sherloc (09022015). Collection method: clinical testing. Allele origin: germline.
Comment: In summary, the available evidence is currently insufficient to determine the role of this variant in disease. Therefore, it has been classified as a Variant of Uncertain Significance. Algorithms developed to predict the effect of missense changes on protein structure and function (SIFT, PolyPhen-2, Align-GVGD) all suggest that this variant is likely to be disruptive. This variant has not been reported in the literature in individuals affected with PDYN-related conditions. This variant is present in population databases (rs765854641, gnomAD 0.04%). This sequence change replaces proline, which is neutral and non-polar, with leucine, which is neutral and non-polar, at codon 244 of the PDYN protein (p.Pro244Leu).

NM_024411.5(PDYN):c.731C>T (p.Pro244Leu)

Genes: PDYN (prodynorphin; minus strand), PDYN-AS1 (PDYN antisense RNA 1; plus strand). Cytogenetic location: 20p13.
Variant type: single nucleotide variant.
Coding change: c.731C>T on transcript NM_024411.5 (MANE Select); coding-DNA position 731, C replaced by T.
Protein change: p.Pro244Leu; replaces proline 244 with leucine.
Molecular consequence: missense variant.
Genome position (GRCh38, 1-based): chr20:1,980,357, G>A on the plus strand (C>T on the coding strand, the complement: PDYN is on the minus strand). VCF-style: chr20-1980357-G-A. GRCh37 (hg19) VCF-style: chr20-1961003-G-A.
Other names: c.731C>T, p.Pro244Leu (NM_001190892.1, NM_001190898.3, NM_001190899.2 and 1 more transcripts); c.731C>T (NM_024411.4); short protein forms P244L.
Identifiers: ClinVar variation 1366955 (VCV001366955.9), dbSNP rs765854641, ClinGen allele CA9730209.
Genomic context (GRCh38, chr20:1,980,357, plus strand): 5'-TGACTCTACTCCATGAAAAGAGGTGCTTATGCATCAAAAAGCTCTCCAGAGTAAGCATTC[G>A]GATCTTCCTGAGACCGAGTCACCACCTTGAACTGGCGCCGGAGAAAACCGCCATAGCGCT-3'
Protein context (NP_077722.1, residues 234-254): FKVVTRSQED[Pro244Leu]NAYSGELFDA